The following is an entry in ClinVar:

NM_000742.4(CHRNA2):c.785G>A (p.Arg262Gln)

Gene: CHRNA2 (cholinergic receptor nicotinic alpha 2 subunit; minus strand). Cytogenetic location: 8p21.2.
Variant type: single nucleotide variant.
Coding change: c.785G>A on transcript NM_000742.4 (MANE Select); coding-DNA position 785, G replaced by A.
Protein change: p.Arg262Gln; replaces arginine 262 with glutamine.
Molecular consequence: missense variant.
Genome position (GRCh38, 1-based): chr8:27,463,658, C>T on the plus strand (G>A on the coding strand, the complement: CHRNA2 is on the minus strand). VCF-style: chr8-27463658-C-T. GRCh37 (hg19) VCF-style: chr8-27321175-C-T.
Other names: c.191G>A, p.Arg64Gln (NM_001347707.2, NM_001347708.2); c.740G>A, p.Arg247Gln (NM_001282455.2); c.308G>A, p.Arg103Gln (NM_001347705.2, NM_001347706.2); short protein forms R103Q, R247Q, R262Q, R64Q.
Identifiers: ClinVar variation 4527303 (VCV004527303.1).

ClinVar aggregate classification (germline): Uncertain significance (1 of 4 stars; one submission).

Submission:

GeneDx
Classification: Uncertain significance. Last evaluated: 2025-04-28. Review status: criteria provided, single submitter. Criteria: GeneDx Variant Classification Process June 2021. Collection method: clinical testing. Allele origin: germline. Affected: yes.
Comment: Not observed at significant frequency in large population cohorts (gnomAD); In silico analysis supports that this missense variant has a deleterious effect on protein structure/function; Has not been previously published as pathogenic or benign to our knowledge